The following is an entry in ClinVar:

ClinVar aggregate classification (germline): Conflicting classifications of pathogenicity. Review status: criteria provided, conflicting classifications (1 of 4 stars). 5 submissions from 4 submitters: Uncertain significance (4); Likely benign (1). Last evaluated 2025-08-25.

Conditions:
Cardiovascular phenotype. Identifiers: MedGen CN230736.
Noonan syndrome 4 (NS4). Also called: SOS1-Related Noonan Syndrome; NOONAN SYNDROME WITH PIGMENTED VILLONODULAR SYNOVITIS. Identifiers: Orphanet 648, MedGen C1853120, MONDO:0012547, OMIM 610733.
Fibromatosis, gingival, 1 (GINGF1). Identifiers: Orphanet 2024, MedGen C4551558, MONDO:0007609, OMIM 135300.
RASopathy. Also called: rasopathies; Noonan spectrum disorder. Identifiers: Orphanet 536391, MedGen C5555857, MONDO:0021060.

Allele frequency attached by ClinVar (database versions not stated): gnomAD exomes below 0.00001; ExAC 0.00001; gnomAD 0.00001; TOPMed 0.00001.
gnomAD v4.1: 2 of 1,613,312 alleles (0.00012%); highest among the groups gnomAD compares: African/African-American, 0.0027%; no homozygotes.

Submissions (5):

Labcorp Genetics (formerly Invitae), Labcorp
Classification: Likely benign for RASopathy. Last evaluated: 2025-08-25. Review status: criteria provided, single submitter. Criteria: Invitae Variant Classification Sherloc (09022015). Collection method: clinical testing. Allele origin: germline.

Ambry Genetics
Classification: Uncertain significance for Cardiovascular phenotype. Last evaluated: 2025-08-21. Review status: criteria provided, single submitter. Criteria: Ambry Variant Classification Scheme 2023. Collection method: clinical testing. Allele origin: germline.
Comment: The p.A67T variant (also known as c.199G>A), located in coding exon 2 of the SOS1 gene, results from a G to A substitution at nucleotide position 199. The alanine at codon 67 is replaced by threonine, an amino acid with similar properties. This amino acid position is poorly conserved in available vertebrate species. In addition, this alteration is predicted to be tolerated by in silico analysis. Based on the available evidence, the clinical significance of this variant remains unclear.

GeneDx
Classification: Uncertain significance. Last evaluated: 2014-10-09. Review status: criteria provided, single submitter. Criteria: GeneDx Variant Classification (06012015). Collection method: clinical testing. Allele origin: germline. Affected: yes.
Comment: The A67T variant has not been published as a mutation, nor has it been reported as a benign polymorphism to our knowledge. The A67T variant was not observed in approximately 6,500 individuals of European and African American ancestry in the NHLBI Exome Sequencing Project, indicating it is not a common benign variant in these populations. The A67T variant is a non-conservative amino acid substitution, which is likely to impact secondary protein structure as these residues differ in polarity, charge, size and/or other properties. This substitution occurs at a position that is moderately conserved across species. However, in silico analysis predicts this variant likely does not alter the protein structure/function. Therefore, based on the currently available information, it is unclear whether this variant is a pathogenic mutation or a rare benign variant. The variant is found in CARDIOMYOPATHY panel(s).

Genome-Nilou Lab
Classification: Uncertain significance for Noonan syndrome 4. Review status: criteria provided, single submitter. Criteria: ACMG Guidelines, 2015. Collection method: clinical testing. Allele origin: germline.

Genome-Nilou Lab
Classification: Uncertain significance for Fibromatosis, gingival, 1. Review status: criteria provided, single submitter. Criteria: ACMG Guidelines, 2015. Collection method: clinical testing. Allele origin: germline.

NM_005633.4(SOS1):c.199G>A (p.Ala67Thr)

Gene: SOS1 (SOS Ras/Rac guanine nucleotide exchange factor 1; minus strand). Cytogenetic location: 2p22.1.
Variant type: single nucleotide variant.
Coding change: c.199G>A on transcript NM_005633.4 (MANE Select); coding-DNA position 199, G replaced by A.
Protein change: p.Ala67Thr; replaces alanine 67 with threonine.
Molecular consequence: missense variant.
Genome position (GRCh38, 1-based): chr2:39,067,642, C>T on the plus strand (G>A on the coding strand, the complement: SOS1 is on the minus strand). VCF-style: chr2-39067642-C-T. GRCh37 (hg19) VCF-style: chr2-39294783-C-T.
Other names: p.A67T:GCT>ACT; c.178G>A, p.Ala60Thr (NM_001382394.1); c.199G>A, p.Ala67Thr (NM_001382395.1); short protein forms A67T, A60T.
Identifiers: ClinVar variation 181558 (VCV000181558.12), dbSNP rs730881053, ClinGen allele CA297295.
Genomic context (GRCh38, chr2:39,067,642, plus strand): 5'-CACACAAATTAGATATAAAGTAAATACAAGACAACATTTGTCATACCTCTACATCTGAAG[C>T]ACTTCGGGGCTGAGCTTGGCATAGCATATTTAATAATTGCAAAATTAATTCTTCAACATA-3'
Protein context (NP_005624.2, residues 57-77): NMLCQAQPRS[Ala67Thr]SDVEERVQKS